The following is an entry in ClinVar:

NM_017951.5(SMPD4):c.1226G>A (p.Arg409Gln)

Gene: SMPD4 (sphingomyelin phosphodiesterase 4; minus strand). Cytogenetic location: 2q21.1.
Variant type: single nucleotide variant.
Coding change: c.1226G>A on transcript NM_017951.5 (MANE Select); coding-DNA position 1226, G replaced by A.
Protein change: p.Arg409Gln; replaces arginine 409 with glutamine.
Molecular consequence: missense variant. On other transcripts: non-coding transcript variant (2).
Genome position (GRCh38, 1-based): chr2:130,156,098, C>T on the plus strand (G>A on the coding strand, the complement: SMPD4 is on the minus strand). VCF-style: chr2-130156098-C-T. GRCh37 (hg19) VCF-style: chr2-130913671-C-T.
Other names: c.1037G>A, p.Arg346Gln (NM_001171083.2); c.1256G>A, p.Arg419Gln (NM_017751.4); short protein forms R346Q, R409Q, R419Q.
Identifiers: ClinVar variation 3777419 (VCV003777419.1).
Genomic context (GRCh38, chr2:130,156,098, plus strand): 5'-TTCTCCGACACACACCGGGGCTGGGAGTCGCTGCCCGGAGCCTGCTTGTCAGGCGCGTAC[C>T]GCCACGGCTGCAGGTAGCTCAGCCACATCTCCAGGACCTGTGGGGGAGGTGTGTGCTAAG-3'
Protein context (NP_060421.3, residues 399-419): EMWLSYLQPW[Arg409Gln]YAPDKQAPGS

ClinVar aggregate classification (germline): Uncertain significance (1 of 4 stars; one submission).

Submission:

GeneDx
Classification: Uncertain significance. Last evaluated: 2024-10-08. Review status: criteria provided, single submitter. Criteria: GeneDx Variant Classification Process June 2021. Collection method: clinical testing. Allele origin: germline. Affected: yes.
Comment: Not observed at significant frequency in large population cohorts (gnomAD); In silico analysis supports that this missense variant has a deleterious effect on protein structure/function; Has not been previously published as pathogenic or benign to our knowledge